The following is an entry in ClinVar:

NM_024422.6(DSC2):c.429G>A (p.Ser143=)

Gene: DSC2 (desmocollin 2; minus strand). Cytogenetic location: 18q12.1.
Variant type: single nucleotide variant.
Coding change: c.429G>A on transcript NM_024422.6 (MANE Select); coding-DNA position 429, G replaced by A.
Protein change: p.Ser143=; no amino-acid change (serine 143 retained).
Molecular consequence: synonymous variant.
Genome position (GRCh38, 1-based): chr18:31,091,073, C>T on the plus strand (G>A on the coding strand, the complement: DSC2 is on the minus strand). VCF-style: chr18-31091073-C-T. GRCh37 (hg19) VCF-style: chr18-28671036-C-T.
Other names: c.429G>A, p.Ser143= (NM_004949.5).
Identifiers: ClinVar variation 921215 (VCV000921215.12), dbSNP rs542638302, ClinGen allele CA038377.

ClinVar aggregate classification (germline): Likely benign. Review status: criteria provided, multiple submitters, no conflicts (2 of 4 stars). 4 submissions from 4 submitters: Likely benign (4). Last evaluated 2025-06-18.

Conditions:
Familial isolated arrhythmogenic right ventricular dysplasia. Identifiers: Orphanet 217656, MedGen C4274968, MONDO:0016342.
Cardiomyopathy (CMYO). Also called: Cardiomyopathies. Identifiers: Orphanet 167848, MedGen C0878544, MONDO:0004994, HP:0001638. Inheritance: Various modes of inheritance.
Arrhythmogenic right ventricular dysplasia 11. Also called: Arrhythmogenic Right Ventricular Dysplasia/Cardiomyopathy11; Arrhythmogenic right ventricular dysplasia 11 with mild palmoplantar keratoderma and woolly hair; ARRHYTHMOGENIC RIGHT VENTRICULAR DYSPLASIA, FAMILIAL, 11. Identifiers: MedGen C1864850, MONDO:0012506, OMIM 610476.

Allele frequency attached by ClinVar (database versions not stated): TOPMed below 0.00001; ExAC 0.00001; gnomAD 0.00001; gnomAD exomes 0.00001; 1000 Genomes Project 30x 0.00016; 1000 Genomes Project 0.00020.
gnomAD v4.1: 8 of 1,613,970 alleles (0.0005%); highest among the groups gnomAD compares: East Asian, 0.0022%; no homozygotes.

Submissions (4):

Labcorp Genetics (formerly Invitae), Labcorp
Classification: Likely benign for Arrhythmogenic right ventricular dysplasia 11. Last evaluated: 2025-06-18. Review status: criteria provided, single submitter. Criteria: Invitae Variant Classification Sherloc (09022015). Collection method: clinical testing. Allele origin: germline.

Blueprint Genetics
Classification: Likely benign. Last evaluated: 2024-03-16. Review status: criteria provided, single submitter. Criteria: ACMG Guidelines, 2015. Collection method: clinical testing. Allele origin: germline.

All of Us Research Program, National Institutes of Health
Classification: Likely benign for Familial isolated arrhythmogenic right ventricular dysplasia. Last evaluated: 2023-06-26. Review status: criteria provided, single submitter. Criteria: ACMG Guidelines, 2015. Collection method: clinical testing. Allele origin: germline. Inheritance: Autosomal dominant inheritance. Observed: 2 variant alleles, 2 heterozygotes.
Comment: This study involves interpretation of variants in research participants for the purpose of population health screening. Participant phenotype was not available at the time of variant classification. Additional details can be found in publication PMID: 35346344, PMCID: PMC8962531

Color Diagnostics, LLC DBA Color Health
Classification: Likely benign for Cardiomyopathy. Last evaluated: 2019-11-06. Review status: criteria provided, single submitter. Criteria: ACMG Guidelines, 2015. Collection method: clinical testing. Allele origin: germline.